The following is an entry in ClinVar:

NM_000173.7(GP1BA):c.217C>T (p.Leu73Phe)

Gene: GP1BA (glycoprotein Ib platelet subunit alpha; plus strand). Cytogenetic location: 17p13.2.
Variant type: single nucleotide variant.
Coding change: c.217C>T on transcript NM_000173.7 (MANE Select); coding-DNA position 217, C replaced by T.
Protein change: p.Leu73Phe; replaces leucine 73 with phenylalanine.
Molecular consequence: missense variant.
Genome position (GRCh38, 1-based): chr17:4,932,821, C>T. VCF-style: chr17-4932821-C-T. GRCh37 (hg19) VCF-style: chr17-4836116-C-T.
Other names: L57F; short protein forms L73F.
Identifiers: ClinVar variation 4154 (VCV000004154.5), dbSNP rs121908063, ClinGen allele CA116660.

ClinVar aggregate classification (germline): Likely pathogenic. Review status: criteria provided, multiple submitters, no conflicts (2 of 4 stars). 3 submissions from 3 submitters: Likely pathogenic (2). 1 of the submissions does not count toward it. Last evaluated 2024-10-11.

Conditions:
Bernard-Soulier syndrome, type A2, autosomal dominant (BSSA2). Also called: Bernard-Soulier syndrome, type A2 (dominant). Identifiers: Orphanet 274, MedGen C3277076, MONDO:0007930, OMIM 153670.
Macrothrombocytopenia. Identifiers: MedGen C2751260, HP:0040185.

Submissions (3):

Victorian Clinical Genetics Services, Murdoch Childrens Research Institute
Classification: Likely pathogenic for Bernard-Soulier syndrome, type A2, autosomal dominant. Last evaluated: 2024-10-11. Review status: criteria provided, single submitter. Criteria: ACMG Guidelines, 2015. Collection method: clinical testing. Allele origin: germline. Inheritance: Autosomal dominant inheritance. Affected: yes.
Comment: Based on the classification scheme VCGS_Germline_v1.3.5, this variant is classified as Likely pathogenic. Following criteria are met: 0103 - Gain of function and loss of function are known mechanisms of disease in this gene. The former is associated with autosomal dominant von Willebrand disease, platelet-type (MIM#177820), whereas the latter is associated with autosomal recessive Bernard-Soulier syndrome, type A1 (MIM#231200) and autosomal dominant Bernard-Soulier syndrome, type A2 (MIM#153670) (ClinGen). In addition, dominant negative is a suggested mechanism for autosomal dominant Bernard-Soulier syndrome, type A2 (MIM#153670) (PMID: 24934643). (I) 0108 - This gene is associated with both recessive and dominant disease. Autosomal dominant Bernard-Soulier syndrome, type A2 (MIM#153670) is rare and milder than autosomal recessive Bernard-Soulier syndrome, type A1 (MIM#231200). In addition, majority of the variants implicated in von Willebrand disease, platelet-type (MIM#177820) are located within the beta-hairpin loop (PMIDs: 24934643, 37592722). (I) 0200 - Variant is predicted to result in a missense amino acid change from leucine to phenylalanine. (I) 0251 - This variant is heterozygous. (I) 0301 - Variant is absent from gnomAD (v2, v3 and v4). (SP) 0502 - Missense variant with conflicting in silico predictions and uninformative conservation. (I) 0600 - Variant is located in the annotated leucine-rich repeat (LRR) region (PMIDs: 33732333, 36173017). (I) 0705 - No comparable missense variants have previous evidence for pathogenicity. (I) 0802 - This variant has moderate previous evidence of pathogenicity in unrelated individuals. This variant has been reported in the heterozygous state in multiple individuals, including a family exhibiting a Bernard-Soulier disease phenotype (PMIDs: 1730088, 31064749, 36507135, 36173017). (SP) 0903 - This variant has limited evidence for segregation with disease. This variant was identified in the heterozygous state in three individuals from one family with Bernard-Soulier syndrome, and was absent in at least one unaffected family member. Segregation of this variant in the family was determined via an allele-specific hybridisation assay (PMID: 1730088). (SP) 1007 - No published functional evidence has been identified for this variant. (I) 1208 - Inheritance information for this variant is not currently available in this individual. (I) Legend: (SP) - Supporting pathogenic, (I) - Information, (SB) - Supporting benign

NIHR Bioresource Rare Diseases, University of Cambridge
Classification: Likely pathogenic for Macrothrombocytopenia. Last evaluated: 2019-02-01. Review status: criteria provided, single submitter. Criteria: ACMG Guidelines, 2015. Collection method: research. Allele origin: unknown. Affected: yes. Observed: 1 heterozygote. Study: ThromboGenomics.

OMIM
Classification: Pathogenic for BERNARD-SOULIER SYNDROME, TYPE A2, AUTOSOMAL DOMINANT. Last evaluated: 1992-01-15. Review status: no assertion criteria provided. Collection method: literature only. Allele origin: germline. Not counted in ClinVar's aggregate classification.

Literature cited by the submitters: PubMed 1730088 (cited by Victorian Clinical Genetics Services, Murdoch Childrens Research Institute and OMIM); PubMed 24934643 (cited by Victorian Clinical Genetics Services, Murdoch Childrens Research Institute); PubMed 31064749 (cited by Victorian Clinical Genetics Services, Murdoch Childrens Research Institute and NIHR Bioresource Rare Diseases, University of Cambridge); PubMed 33732333 (cited by Victorian Clinical Genetics Services, Murdoch Childrens Research Institute); PubMed 36173017 (cited by Victorian Clinical Genetics Services, Murdoch Childrens Research Institute); PubMed 36507135 (cited by Victorian Clinical Genetics Services, Murdoch Childrens Research Institute); PubMed 37592722 (cited by Victorian Clinical Genetics Services, Murdoch Childrens Research Institute).